The following is an entry in ClinVar:

NM_007294.4(BRCA1):c.1860del (p.His621fs)

Gene: BRCA1 (BRCA1 DNA repair associated; minus strand). Cytogenetic location: 17q21.31.
Variant type: Deletion.
Coding change: c.1860del on transcript NM_007294.4 (MANE Select); coding-DNA position 1860, one base deleted (T; older notation c.1860delT).
Protein change: p.His621fs; shifts the reading frame from histidine 621.
Molecular consequence: frameshift variant. On other transcripts: intron variant (137).
Genome position (GRCh38, 1-based): chr17:43,093,671, A deleted on the plus strand (T on the coding strand, the reverse complement: BRCA1 is on the minus strand); the first of 2 consecutive A bases (chr17:43,093,671-43,093,672); deleting either gives the same sequence. VCF-style (leftmost placement, unchanged base first): chr17-43093670-GA-G. GRCh37 (hg19) VCF-style: chr17-41245687-GA-G.
Other names: c.1860delT (NM_007294.3); c.1860del, p.His621fs (NM_001407593.1, NM_001407594.1, NM_001407596.1 and 30 more transcripts); c.1857del, p.His620fs (NM_001407610.1, NM_001407611.1, NM_001407612.1 and 22 more transcripts); c.1851del, p.His618fs (NM_001407646.1, NM_001407647.1); c.1737del, p.His580fs (NM_001407648.1, NM_001407664.1, NM_001407665.1 and 19 more transcripts); c.1734del, p.His579fs (NM_001407649.1, NM_001407670.1, NM_001407671.1 and 11 more transcripts); c.1782del, p.His595fs (NM_001407653.1, NM_001407654.1, NM_001407655.1 and 4 more transcripts); c.1779del, p.His594fs (NM_001407659.1, NM_001407660.1, NM_001407661.1 and 1 more transcripts); and 41 more; short protein forms H574fs, H621fs, H325fs, H509fs, H550fs, H573fs, H580fs, H618fs.
Identifiers: ClinVar variation 182105 (VCV000182105.26), dbSNP rs730881459, ClinGen allele CA001208.

ClinVar aggregate classification (germline): Pathogenic. Review status: reviewed by expert panel (3 of 4 stars). 10 submissions from 10 submitters: Pathogenic (1). 9 of the submissions do not count toward it. Last evaluated 2016-09-08.

Conditions:
Hereditary breast ovarian cancer syndrome. Also called: Hereditary breast and ovarian cancer syndrome; Hereditary breast and ovarian cancer syndrome (HBOC); BRCA1- and BRCA2-Associated Hereditary Breast and Ovarian Cancer; Breast and ovarian cancer; Hereditary breast and ovarian cancer; Hereditary breast and/or ovarian cancer syndrome. Identifiers: Orphanet 145, MedGen C0677776, MeSH D061325, MONDO:0003582. Disease mechanism: loss of function.
Breast-ovarian cancer, familial, susceptibility to, 1 (BROVCA1). Also called: OVARIAN CANCER, SUSCEPTIBILITY TO; BRCA1 Hereditary Breast and Ovarian Cancer. Identifiers: Orphanet 145, MedGen C2676676, MONDO:0011450, OMIM 604370. Disease mechanism: loss of function.
Hereditary cancer-predisposing syndrome. Also called: Hereditary Cancer Syndrome; Hereditary neoplastic syndrome; Tumor predisposition; Neoplastic Syndromes, Hereditary. Identifiers: Orphanet 140162, MedGen C0027672, MeSH D009386, MONDO:0015356.

Submissions (10):

Evidence-based Network for the Interpretation of Germline Mutant Alleles (ENIGMA)
Classification: Pathogenic for Breast-ovarian cancer, familial, susceptibility to, 1. Last evaluated: 2016-09-08. Review status: reviewed by expert panel. Criteria: ENIGMA BRCA1/2 Classification Criteria (2015). Collection method: curation. Allele origin: germline.
Comment: Variant allele predicted to encode a truncated non-functional protein.

Women's Health and Genetics/Laboratory Corporation of America, LabCorp
Classification: Pathogenic for Hereditary breast ovarian cancer syndrome. Last evaluated: 2026-02-27. Review status: criteria provided, single submitter. Criteria: LabCorp Variant Classification Summary - May 2015. Collection method: clinical testing. Allele origin: germline. Not counted in ClinVar's aggregate classification.
Comment: Variant summary: BRCA1 c.1860delT (p.His621MetfsX5) results in a premature termination codon, predicted to cause a truncation of the encoded protein or absence of the protein due to nonsense mediated decay, which are commonly known mechanisms for disease. The variant was absent in 251102 control chromosomes. c.1860delT has been observed in individual(s) affected with clinical features of Hereditary Breast And Ovarian Cancer Syndrome. The following publication has been ascertained in the context of this evaluation (PMID: 27083178). ClinVar contains an entry for this variant (Variation ID: 182105). Based on the evidence outlined above, the variant was classified as pathogenic.

Molecular Diagnostics Laboratory, Catalan Institute of Oncology
Classification: Pathogenic for Hereditary cancer-predisposing syndrome. Last evaluated: 2025-05-20. Review status: criteria provided, single submitter. Criteria: ClinGen BRCA1BRCA2 ACMG Specifications BRCA1 V1.0.0. Collection method: clinical testing. Allele origin: germline. Not counted in ClinVar's aggregate classification.
Comment: PVS1, PM5_PTC_Strong c.1860del, located in exon 10 (11 in BIC nomenclature) of the BRCA1 gene, consists in the delection of 1 nucleotide, causing a translational frameshift with a predicted alternate stop codon, p.(His621Metfs*5).This alteration is expected to result in loss of function by premature protein truncation and nonsense-mediated mRNA decay (PVS1, PM5_PTC_Strong). It is not present in the population database gnomAD v2.1.1, non-cancer exome dataset. The SpliceAI algorithm predicts no significant impact on splicing. This variant has been reported in the ClinVar database (7x Pathogenic), in the LOVD database (3x pathogenic) and classified as a pathogenic variant in BRCA Exchange database (�2016-09-08: Variant allele predicted to encode a truncated non-functional protein�). Based on currently available information, the variant c.1860del is classified as a pathogenic variant according to ClinGen-BRCA1 and BRCA2 Guidelines version 1.0.0.

Labcorp Genetics (formerly Invitae), Labcorp
Classification: Pathogenic for Hereditary breast ovarian cancer syndrome. Last evaluated: 2024-11-24. Review status: criteria provided, single submitter. Criteria: Invitae Variant Classification Sherloc (09022015). Collection method: clinical testing. Allele origin: germline. Not counted in ClinVar's aggregate classification.
Comment: This sequence change creates a premature translational stop signal (p.His621Metfs*5) in the BRCA1 gene. It is expected to result in an absent or disrupted protein product. Loss-of-function variants in BRCA1 are known to be pathogenic (PMID: 20104584). This variant is not present in population databases (gnomAD no frequency). This premature translational stop signal has been observed in individual(s) with breast and/or ovarian cancer (PMID: 26681312, 27083178). ClinVar contains an entry for this variant (Variation ID: 182105). For these reasons, this variant has been classified as Pathogenic.

Ambry Genetics
Classification: Pathogenic for Hereditary cancer-predisposing syndrome. Last evaluated: 2023-06-16. Review status: criteria provided, single submitter. Criteria: Ambry Variant Classification Scheme 2023. Collection method: clinical testing. Allele origin: germline. Not counted in ClinVar's aggregate classification.
Comment: The c.1860delT pathogenic mutation, located in coding exon 9 of the BRCA1 gene, results from a deletion of one nucleotide at nucleotide position 1860, causing a translational frameshift with a predicted alternate stop codon (p.H621Mfs*5). This alteration is expected to result in loss of function by premature protein truncation or nonsense-mediated mRNA decay. As such, this alteration is interpreted as a disease-causing mutation.

Baylor Genetics
Classification: Pathogenic for Breast-ovarian cancer, familial, susceptibility to, 1. Last evaluated: 2022-11-10. Review status: criteria provided, single submitter. Criteria: ACMG Guidelines, 2015. Collection method: clinical testing. Allele origin: unknown. Not counted in ClinVar's aggregate classification.

Quest Diagnostics Nichols Institute San Juan Capistrano
Classification: Pathogenic. Last evaluated: 2020-12-31. Review status: criteria provided, single submitter. Criteria: Quest Diagnostics criteria. Collection method: clinical testing. Allele origin: unknown. Not counted in ClinVar's aggregate classification.
Comment: This frameshift variant causes the premature termination of BRCA1 protein synthesis. In addition, it has been reported in affected with breast cancer and ovarian cancer in the published literature (PMID: 27083178 (2016), 26681312 (2015), 30322717 (2018)). This variant has not been reported in large, multi-ethnic general populations. Based on the available information, this variant is classified as pathogenic.

Color Diagnostics, LLC DBA Color Health
Classification: Pathogenic for Hereditary cancer-predisposing syndrome. Last evaluated: 2020-12-28. Review status: criteria provided, single submitter. Criteria: ACMG Guidelines, 2015. Collection method: clinical testing. Allele origin: germline. Not counted in ClinVar's aggregate classification.
Comment: This variant deletes 1 nucleotide in exon 10 of the BRCA1 gene, creating a frameshift and premature translation stop signal. This variant is expected to result in an absent or non-functional protein product. This variant has been reported in individuals affected with triple-negative breast and ovarian cancer (PMID: 25682074, 26681312, 27083178). This variant has not been identified in the general population by the Genome Aggregation Database (gnomAD). Loss of BRCA1 function is a known mechanism of disease. Based on the available evidence, this variant is classified as Pathogenic.

GeneDx
Classification: Pathogenic. Last evaluated: 2019-07-25. Review status: criteria provided, single submitter. Criteria: GeneDx Variant Classification Process June 2021. Collection method: clinical testing. Allele origin: germline. Affected: yes. Not counted in ClinVar's aggregate classification.
Comment: Frameshift variant predicted to result in protein truncation or nonsense mediated decay in a gene for which loss-of-function is a known mechanism of disease; Not observed in large population cohorts (Lek et al., 2016); Reported as pathogenic in ClinVar/in a well-curated database but additional evidence is not available; This variant is associated with the following publications: (PMID: 27083178, 26681312, 29446198, 30262796, 30322717)

Consortium of Investigators of Modifiers of BRCA1/2 (CIMBA), c/o University of Cambridge
Classification: Pathogenic for Breast-ovarian cancer, familial, susceptibility to, 1. Last evaluated: 2015-10-02. Review status: criteria provided, single submitter. Criteria: CIMBA Mutation Classification guidelines May 2016. Collection method: clinical testing. Allele origin: germline. Not counted in ClinVar's aggregate classification.

Literature cited by the submitters: PubMed 27083178 (cited by 3 submitters); PubMed 20104584 (cited by Labcorp Genetics (formerly Invitae), Labcorp); PubMed 26681312 (cited by Labcorp Genetics (formerly Invitae), Labcorp and Quest Diagnostics Nichols Institute San Juan Capistrano); PubMed 30322717 (cited by Quest Diagnostics Nichols Institute San Juan Capistrano); PubMed 30262796 (cited by Quest Diagnostics Nichols Institute San Juan Capistrano); PubMed 26295337 (cited by Quest Diagnostics Nichols Institute San Juan Capistrano).